The following is an entry in ClinVar:

NM_000136.3(FANCC):c.1370C>G (p.Ser457Cys)

Genes: FANCC (FA complementation group C; minus strand), AOPEP (aminopeptidase O (putative); plus strand). Cytogenetic location: 9q22.32.
Variant type: single nucleotide variant.
Coding change: c.1370C>G on transcript NM_000136.3 (MANE Select); coding-DNA position 1370, C replaced by G.
Protein change: p.Ser457Cys; replaces serine 457 with cysteine.
Molecular consequence: missense variant.
Genome position (GRCh38, 1-based): chr9:95,107,229, G>C on the plus strand (C>G on the coding strand, the complement: FANCC is on the minus strand). VCF-style: chr9-95107229-G-C. GRCh37 (hg19) VCF-style: chr9-97869511-G-C.
Other names: c.1370C>G, p.Ser457Cys (NM_001243743.2); short protein forms S457C.
Identifiers: ClinVar variation 4532883 (VCV004532883.2).

ClinVar aggregate classification (germline): Uncertain significance. Review status: criteria provided, multiple submitters, no conflicts (2 of 4 stars). 2 submissions from 2 submitters: Uncertain significance (2). Last evaluated 2025-10-16.

Conditions:
Hereditary cancer-predisposing syndrome. Also called: Tumor predisposition; Hereditary Cancer Syndrome; Hereditary neoplastic syndrome; Neoplastic Syndromes, Hereditary. Identifiers: Orphanet 140162, MedGen C0027672, MeSH D009386, MONDO:0015356.

Submissions (2):

Quest Diagnostics Nichols Institute San Juan Capistrano
Classification: Uncertain significance. Last evaluated: 2025-10-16. Review status: criteria provided, single submitter. Criteria: Quest Diagnostics criteria. Collection method: clinical testing. Allele origin: unknown.
Comment: The FANCC c.1370C>G (p.Ser457Cys) variant has not been reported in individuals with FANCC-related conditions in the published literature. This variant also has not been reported in large, multi-ethnic general populations (Genome Aggregation Database). Analysis of this variant using bioinformatics tools for the prediction of the effect of amino acid changes on protein structure and function yielded predictions that this variant is benign. Based on the available information, we are unable to determine the clinical significance of this variant.

Ambry Genetics
Classification: Uncertain significance for Hereditary cancer-predisposing syndrome. Last evaluated: 2025-10-03. Review status: criteria provided, single submitter. Criteria: Ambry Variant Classification Scheme 2023. Collection method: clinical testing. Allele origin: germline.
Comment: The p.S457C variant (also known as c.1370C>G), located in coding exon 13 of the FANCC gene, results from a C to G substitution at nucleotide position 1370. The serine at codon 457 is replaced by cysteine, an amino acid with dissimilar properties. This amino acid position is conserved. In addition, this alteration is predicted to be tolerated by in silico analysis. Based on the available evidence, the clinical significance of this variant remains unclear.